The following is an entry in ClinVar:

NM_021831.6(AGBL5):c.881C>T (p.Pro294Leu)

Gene: AGBL5 (AGBL carboxypeptidase 5; plus strand). Cytogenetic location: 2p23.3.
Variant type: single nucleotide variant.
Coding change: c.881C>T on transcript NM_021831.6 (MANE Select); coding-DNA position 881, C replaced by T.
Protein change: p.Pro294Leu; replaces proline 294 with leucine.
Molecular consequence: missense variant. On other transcripts: non-coding transcript variant (2).
Genome position (GRCh38, 1-based): chr2:27,055,226, C>T. VCF-style: chr2-27055226-C-T. GRCh37 (hg19) VCF-style: chr2-27278094-C-T.
Other names: c.881C>T, p.Pro294Leu (NM_001035507.3); short protein forms P294L.
Identifiers: ClinVar variation 863675 (VCV000863675.9), dbSNP rs762338805, ClinGen allele CA1567746.

ClinVar aggregate classification (germline): Uncertain significance (1 of 4 stars; one submission).

Allele frequency attached by ClinVar (database versions not stated): gnomAD exomes below 0.00001; ExAC 0.00002.
gnomAD v4.1: 2 of 1,614,198 alleles (0.00012%); highest among the groups gnomAD compares: Non-Finnish European, 0.00017%; no homozygotes.

Submission:

Labcorp Genetics (formerly Invitae), Labcorp
Classification: Uncertain significance. Last evaluated: 2021-02-12. Review status: criteria provided, single submitter. Criteria: Invitae Variant Classification Sherloc (09022015). Collection method: clinical testing. Allele origin: germline.
Comment: In summary, the available evidence is currently insufficient to determine the role of this variant in disease. Therefore, it has been classified as a Variant of Uncertain Significance. Algorithms developed to predict the effect of missense changes on protein structure and function (SIFT, PolyPhen-2, Align-GVGD) all suggest that this variant is likely to be disruptive, but these predictions have not been confirmed by published functional studies and their clinical significance is uncertain. This variant has been observed in individual(s) with retinitis pigmentosa (Invitae). In at least one individual the data is consistent with the variant being in trans (on the opposite chromosome) from a pathogenic variant. This variant is present in population databases (rs762338805, ExAC 0.003%). This sequence change replaces proline with leucine at codon 294 of the AGBL5 protein (p.Pro294Leu). The proline residue is highly conserved and there is a moderate physicochemical difference between proline and leucine.